The following is an entry in ClinVar:

ClinVar aggregate classification (germline): Uncertain significance (1 of 4 stars; one submission).

Conditions:
Intellectual developmental disorder, autosomal dominant 1. Also called: Intellectual disability, autosomal dominant 1; MBD5 Haploinsufficiency. Identifiers: Orphanet 228402, MedGen C1969562, MONDO:0007974, OMIM 156200.

Allele frequency attached by ClinVar (database versions not stated): gnomAD exomes below 0.00001.
gnomAD v4.1: 1 of 1,614,064 alleles (0.000062%); highest among the groups gnomAD compares: Admixed American, 0.0017%; no homozygotes.

Submission:

Labcorp Genetics (formerly Invitae), Labcorp
Classification: Uncertain significance for Intellectual developmental disorder, autosomal dominant 1. Last evaluated: 2022-07-11. Review status: criteria provided, single submitter. Criteria: Invitae Variant Classification Sherloc (09022015). Collection method: clinical testing. Allele origin: germline.
Comment: This sequence change replaces glutamine, which is neutral and polar, with leucine, which is neutral and non-polar, at codon 424 of the MBD5 protein (p.Gln424Leu). This variant is not present in population databases (gnomAD no frequency). This variant has not been reported in the literature in individuals affected with MBD5-related conditions. ClinVar contains an entry for this variant (Variation ID: 1051196). In summary, the available evidence is currently insufficient to determine the role of this variant in disease. Therefore, it has been classified as a Variant of Uncertain Significance. Algorithms developed to predict the effect of missense changes on protein structure and function are either unavailable or do not agree on the potential impact of this missense change (SIFT: "Deleterious"; PolyPhen-2: "Benign"; Align-GVGD: "Class C65").

NM_001378120.1(MBD5):c.1271A>T (p.Gln424Leu)

Gene: MBD5 (methyl-CpG binding domain protein 5; plus strand). Cytogenetic location: 2q23.1.
Variant type: single nucleotide variant.
Coding change: c.1271A>T on transcript NM_001378120.1 (MANE Select); coding-DNA position 1271, A replaced by T.
Protein change: p.Gln424Leu; replaces glutamine 424 with leucine.
Molecular consequence: missense variant.
Genome position (GRCh38, 1-based): chr2:148,469,214, A>T. VCF-style: chr2-148469214-A-T. GRCh37 (hg19) VCF-style: chr2-149226783-A-T.
Other names: c.1271A>T, p.Gln424Leu (NM_018328.5); short protein forms Q424L.
Identifiers: ClinVar variation 1051196 (VCV001051196.9), dbSNP rs2105631231, ClinGen allele CA348719343.